The following is an entry in ClinVar:

ClinVar aggregate classification (germline): Conflicting classifications of pathogenicity. Review status: criteria provided, conflicting classifications (1 of 4 stars). 4 submissions from 4 submitters: Likely pathogenic (1); Uncertain significance (2). 1 of the submissions does not count toward it. Last evaluated 2025-09-16.

Conditions:
ALDOB-related disorder. Also called: ALDOB-related condition.
Hereditary fructosuria. Also called: ALDOB DEFICIENCY; ALDOLASE B DEFICIENCY; FRUCTOSE-1,6-BISPHOSPHATE ALDOLASE B DEFICIENCY; FRUCTOSE-1-PHOSPHATE ALDOLASE DEFICIENCY; FRUCTOSEMIA; Fructose intolerance. Identifiers: Orphanet 469, MedGen C0016751, MONDO:0009249, OMIM 229600, HP:0005973. Disease mechanism: loss of function.

Allele frequency attached by ClinVar (database versions not stated): ExAC 0.00001; gnomAD exomes 0.00001; gnomAD 0.00002; TOPMed 0.00002.

Submissions (4):

PreventionGenetics, part of Exact Sciences
Classification: Uncertain significance for ALDOB-related condition. Last evaluated: 2025-09-16. Review status: criteria provided, single submitter. Criteria: ACMG Guidelines, 2015. Collection method: clinical testing. Allele origin: germline.
Comment: The ALDOB c.910C>T variant is predicted to result in the amino acid substitution p.Arg304Trp. This variant was reported in an individual with Fructose intolerance (Tolan et al. 1995. PubMed ID: 8535439; Kars et al. 2021. PubMed ID: 34426522). This variant is reported in 0.0026% of alleles in individuals of European (Non-Finnish) descent in gnomAD. At this time, the clinical significance of this variant is uncertain due to the absence of conclusive functional and genetic evidence.

Myriad Genetics, Inc.
Classification: Uncertain significance for Hereditary fructosuria. Last evaluated: 2021-11-10. Review status: criteria provided, single submitter. Criteria: Myriad Women's Health Autosomal Recessive and X-Linked Classification Criteria (2021). Collection method: clinical testing. Allele origin: unknown.
Comment: NM_000035.3(ALDOB):c.910C>T(R304W) is a missense variant classified as a variant of uncertain significance in the context of hereditary fructose intolerance. R304W has been observed in cases with relevant disease (PMID: 8880583, Langhammer_2011_(no PMID; thesis), Cox_1991_(no PMID; abstract)). Functional assessments of this variant are available in the literature (PMID: 10625657, 10970798). R304W has been observed in population frequency databases (gnomAD: NFE 0.01%). In summary, there is insufficient evidence to classify NM_000035.3(ALDOB):c.910C>T(R304W) as pathogenic or benign. Please note: this variant was assessed in the context of healthy population screening.

Kariminejad - Najmabadi Pathology & Genetics Center
Classification: Likely pathogenic for Hereditary fructosuria. Review status: criteria provided, single submitter. Criteria: ACMG Guidelines, 2015. Collection method: clinical testing. Allele origin: germline. Affected: no.

ATS em Genética Clínica, Universidade Federal do Rio Grande do Sul
Classification: Pathogenic for Hereditary fructosuria. Last evaluated: 2021-03-18. Review status: no assertion criteria provided. Collection method: literature only. Allele origin: unknown. Affected: yes. Not counted in ClinVar's aggregate classification.

Literature cited by the submitters: PubMed 8880583 (cited by Myriad Genetics, Inc.); PubMed 10625657 (cited by Myriad Genetics, Inc.); PubMed 10970798 (cited by Myriad Genetics, Inc.); PubMed 8535439 (cited by ATS em Genética Clínica, Universidade Federal do Rio Grande do Sul).

NM_000035.4(ALDOB):c.910C>T (p.Arg304Trp)

Gene: ALDOB (aldolase, fructose-bisphosphate B; minus strand). Cytogenetic location: 9q31.1.
Variant type: single nucleotide variant.
Coding change: c.910C>T on transcript NM_000035.4 (MANE Select); coding-DNA position 910, C replaced by T.
Protein change: p.Arg304Trp; replaces arginine 304 with tryptophan.
Molecular consequence: missense variant.
Genome position (GRCh38, 1-based): chr9:101,424,932, G>A on the plus strand (C>T on the coding strand, the complement: ALDOB is on the minus strand). VCF-style: chr9-101424932-G-A. GRCh37 (hg19) VCF-style: chr9-104187214-G-A.
Other names: c.910C>T (NM_000035.3); short protein forms R304W.
Identifiers: ClinVar variation 1065858 (VCV001065858.6), dbSNP rs555935217, ClinGen allele CA5161434.